The following is an entry in ClinVar:

ClinVar aggregate classification (germline): Uncertain significance (1 of 4 stars; one submission).

Submission:

GeneDx
Classification: Uncertain significance. Last evaluated: 2023-11-08. Review status: criteria provided, single submitter. Criteria: GeneDx Variant Classification Process June 2021. Collection method: clinical testing. Allele origin: germline. Affected: yes.
Comment: Has not been previously published as pathogenic or benign to our knowledge; Not observed at significant frequency in large population cohorts (gnomAD); In silico analysis supports that this missense variant has a deleterious effect on protein structure/function

NM_004387.4(NKX2-5):c.680G>A (p.Gly227Asp)

Gene: NKX2-5 (NK2 homeobox 5; minus strand). Cytogenetic location: 5q35.1.
Variant type: single nucleotide variant.
Coding change: c.680G>A on transcript NM_004387.4 (MANE Select); coding-DNA position 680, G replaced by A.
Protein change: p.Gly227Asp; replaces glycine 227 with aspartic acid.
Molecular consequence: missense variant. On other transcripts: 3 prime UTR variant (2).
Genome position (GRCh38, 1-based): chr5:173,232,864, C>T on the plus strand (G>A on the coding strand, the complement: NKX2-5 is on the minus strand). VCF-style: chr5-173232864-C-T. GRCh37 (hg19) VCF-style: chr5-172659867-C-T.
Other names: c.*633G>A (NM_001166175.2); c.*479G>A (NM_001166176.2); short protein forms G227D.
Identifiers: ClinVar variation 3363702 (VCV003363702.1).